The following is an entry in ClinVar:

NM_000393.5(COL5A2):c.2762G>C (p.Gly921Ala)

Gene: COL5A2 (collagen type V alpha 2 chain; minus strand). Cytogenetic location: 2q32.2.
Variant type: single nucleotide variant.
Coding change: c.2762G>C on transcript NM_000393.5 (MANE Select); coding-DNA position 2762, G replaced by C.
Protein change: p.Gly921Ala; replaces glycine 921 with alanine.
Molecular consequence: missense variant.
Genome position (GRCh38, 1-based): chr2:189,052,179, C>G on the plus strand (G>C on the coding strand, the complement: COL5A2 is on the minus strand). VCF-style: chr2-189052179-C-G. GRCh37 (hg19) VCF-style: chr2-189916905-C-G.
Other names: short protein forms G921A.
Identifiers: ClinVar variation 1003544 (VCV001003544.9), dbSNP rs150206569, ClinGen allele CA2022200.
Genomic context (GRCh38, chr2:189,052,179, plus strand): 5'-GTGTGTGTGTAATTATTTCATTATCAGTGACTTGTCTCACTAAGTTGACTTACAGCAGGG[C>G]CTGGAGGTCCAACTCTGCCCGCAGAACCAGGAAATCCTGTAGCACCCTAGAACCAGAATA-3'
Protein context (NP_000384.2, residues 911-931): PGSAGRVGPP[Gly921Ala]PAGAPGPAGP

ClinVar aggregate classification (germline): Uncertain significance. Review status: criteria provided, multiple submitters, no conflicts (2 of 4 stars). 2 submissions from 2 submitters: Uncertain significance (2). Last evaluated 2023-08-16.

Conditions:
Ehlers-Danlos syndrome, classic type, 1 (EDSCL1). Also called: EHLERS-DANLOS SYNDROME, GRAVIS TYPE; EHLERS-DANLOS SYNDROME, SEVERE CLASSIC TYPE; EDS I; Ehlers-Danlos Syndrome, Classic Type, COL5A1-Related; Ehlers-Danlos syndrome, type 1. Identifiers: MedGen C0268335, MONDO:0019567, OMIM 130000.

Allele frequency attached by ClinVar (database versions not stated): gnomAD exomes below 0.00001; ExAC 0.00001; ESP Exome Variant Server 0.00008.
gnomAD v4.1: 1 of 1,613,704 alleles (0.000062%); highest among the groups gnomAD compares: Non-Finnish European, 0.000085%; no homozygotes.

Submissions (2):

Labcorp Genetics (formerly Invitae), Labcorp
Classification: Uncertain significance for Ehlers-Danlos syndrome, classic type, 1. Last evaluated: 2023-08-16. Review status: criteria provided, single submitter. Criteria: Invitae Variant Classification Sherloc (09022015). Collection method: clinical testing. Allele origin: germline.
Comment: In summary, the available evidence is currently insufficient to determine the role of this variant in disease. Therefore, it has been classified as a Variant of Uncertain Significance. Advanced modeling of protein sequence and biophysical properties (such as structural, functional, and spatial information, amino acid conservation, physicochemical variation, residue mobility, and thermodynamic stability) performed at Invitae indicates that this missense variant is expected to disrupt COL5A2 protein function. ClinVar contains an entry for this variant (Variation ID: 1003544). This variant has not been reported in the literature in individuals affected with COL5A2-related conditions. This variant is present in population databases (rs150206569, gnomAD 0.0009%). This sequence change replaces glycine, which is neutral and non-polar, with alanine, which is neutral and non-polar, at codon 921 of the COL5A2 protein (p.Gly921Ala).

AiLife Diagnostics
Classification: Uncertain significance. Last evaluated: 2021-12-21. Review status: criteria provided, single submitter. Criteria: ACMG Guidelines, 2015. Collection method: clinical testing. Allele origin: germline. Affected: yes. Observed: 1 variant allele.